The following is an entry in ClinVar:

ClinVar aggregate classification (germline): Benign. Review status: criteria provided, multiple submitters, no conflicts (2 of 4 stars). 6 submissions from 6 submitters: Benign (4). 2 of the submissions do not count toward it. Last evaluated 2026-02-01.

Allele frequency attached by ClinVar (database versions not stated): 1000 Genomes Project 0.00339; 1000 Genomes Project 30x 0.00359; TOPMed 0.00736; gnomAD exomes 0.00804 and 0.01115; ESP Exome Variant Server 0.00815; ExAC 0.00820; gnomAD 0.00925 and 0.00927.
gnomAD v4.1: 16,108 of 1,472,322 alleles (1.1%); highest among the groups gnomAD compares: Non-Finnish European, 1.2%; 106 homozygotes.

Submissions (6):

CeGaT Center for Human Genetics Tuebingen
Classification: Benign. Last evaluated: 2026-02-01. Review status: criteria provided, single submitter. Criteria: CeGaT Center For Human Genetics Tuebingen Variant Classification Criteria Version 2. Collection method: clinical testing. Allele origin: germline. Affected: yes. Observed: 8 variant alleles.
Comment: DNAJC13: BP4, BS1, BS2

Mayo Clinic Laboratories, Mayo Clinic
Classification: Benign. Last evaluated: 2023-03-30. Review status: criteria provided, single submitter. Criteria: ACMG Guidelines, 2015. Collection method: clinical testing. Allele origin: germline. Observed: 13 variant alleles.
Comment: BS1, BS2, BP4, BP7

Labcorp Genetics (formerly Invitae), Labcorp
Classification: Benign. Last evaluated: 2019-12-31. Review status: criteria provided, single submitter. Criteria: Invitae Variant Classification Sherloc (09022015). Collection method: clinical testing. Allele origin: germline.

Breakthrough Genomics
Classification: Benign. Review status: criteria provided, single submitter. Criteria: ACMG Guidelines, 2015. Collection method: not provided. Allele origin: germline. Inheritance: Unknown mechanism. Affected: yes.

Genome Diagnostics Laboratory, Amsterdam University Medical Center
Classification: Likely benign. Review status: no assertion criteria provided. Collection method: clinical testing. Allele origin: germline. Affected: yes. Study: VKGL Data-share Consensus. Not counted in ClinVar's aggregate classification.

Laboratory of Diagnostic Genome Analysis, Leiden University Medical Center (LUMC)
Classification: Likely benign. Review status: no assertion criteria provided. Collection method: clinical testing. Allele origin: germline. Affected: yes. Study: VKGL Data-share Consensus. Not counted in ClinVar's aggregate classification.

NM_015268.4(DNAJC13):c.2292-6G>A

Gene: DNAJC13 (DnaJ heat shock protein family (Hsp40) member C13; plus strand). Cytogenetic location: 3q22.1.
Variant type: single nucleotide variant.
Coding change: c.2292-6G>A on transcript NM_015268.4 (MANE Select); 6 bases into the intron before coding-DNA position 2292, G replaced by A.
Molecular consequence: intron variant.
Genome position (GRCh38, 1-based): chr3:132,474,926, G>A. VCF-style: chr3-132474926-G-A. GRCh37 (hg19) VCF-style: chr3-132193770-G-A.
Other names: p.?; c.2307-6G>A (NM_001329126.2).
Identifiers: ClinVar variation 774426 (VCV000774426.32), dbSNP rs35575948, ClinGen allele CA2618943.
Genomic context (GRCh38, chr3:132,474,926, plus strand): 5'-GGATATTTATAGATTTTTTAAAATGCTTAGTGCATCCTGCTATTTCCTCATTATATGTAT[G>A]TCTAGGTTTGGTCAAGACCATGCCAGGTCAAACCTTATTTGGAATTTCAAAACACGAGAA-3'